The following is an entry in ClinVar:

NM_001358235.2(DCHS2):c.4019-835C>A

Gene: DCHS2 (dachsous cadherin-related 2; minus strand). Cytogenetic location: 4q31.3.
Variant type: single nucleotide variant.
Coding change: c.4019-835C>A on transcript NM_001358235.2 (MANE Select); 835 bases into the intron before coding-DNA position 4019, C replaced by A.
Molecular consequence: intron variant. On other transcripts: missense variant (1), synonymous variant (1).
Genome position (GRCh38, 1-based): chr4:154,323,323, G>T on the plus strand (C>A on the coding strand, the complement: DCHS2 is on the minus strand). VCF-style: chr4-154323323-G-T. GRCh37 (hg19) VCF-style: chr4-155244475-G-T.
Other names: c.4025C>A, p.Pro1342His (NM_001142552.2); c.4025A=, p.His1342= (NM_001412223.1); short protein forms P1342H.
Identifiers: ClinVar variation 3060434 (VCV003060434.2), dbSNP rs12500437, ClinGen allele CA3112990.

ClinVar aggregate classification (germline): Benign (0 of 4 stars; one submission).

Conditions:
DCHS2-related disorder. Also called: DCHS2-related condition.

Allele frequency attached by ClinVar (database versions not stated): 1000 Genomes Project 30x 0.78076; TOPMed 0.78725; 1000 Genomes Project 0.78894; gnomAD 0.80485; ExAC 0.88544.
gnomAD v4.1: 1,390,749 of 1,544,942 alleles (90%); highest among the groups gnomAD compares: South Asian, 94%; 632,183 homozygotes.

Submission:

PreventionGenetics, part of Exact Sciences
Classification: Benign for DCHS2-related condition. Last evaluated: 2019-10-17. Review status: no assertion criteria provided. Collection method: clinical testing. Allele origin: germline.
Comment: This variant is classified as benign based on ACMG/AMP sequence variant interpretation guidelines (Richards et al. 2015 PMID: 25741868, with internal and published modifications).